The following is an entry in ClinVar:

ClinVar aggregate classification (germline): Uncertain significance. Review status: criteria provided, multiple submitters, no conflicts (2 of 4 stars). 2 submissions from 2 submitters: Uncertain significance (2). Last evaluated 2025-01-21.

Allele frequency attached by ClinVar (database versions not stated): TOPMed 0.00002; gnomAD 0.00004; gnomAD exomes 0.00005 and 0.00007; ExAC 0.00012.
gnomAD v4.1: 82 of 1,614,056 alleles (0.0051%); highest among the groups gnomAD compares: Non-Finnish European, 0.0052%; no homozygotes.

Submissions (2):

Labcorp Genetics (formerly Invitae), Labcorp
Classification: Uncertain significance. Last evaluated: 2025-01-21. Review status: criteria provided, single submitter. Criteria: Invitae Variant Classification Sherloc (09022015). Collection method: clinical testing. Allele origin: germline.
Comment: This sequence change replaces glutamine, which is neutral and polar, with arginine, which is basic and polar, at codon 43 of the TBCK protein (p.Gln43Arg). The frequency data for this variant in the population databases is considered unreliable, as metrics indicate poor data quality at this position in the gnomAD database. This variant has not been reported in the literature in individuals affected with TBCK-related conditions. ClinVar contains an entry for this variant (Variation ID: 1503899). Invitae Evidence Modeling of protein sequence and biophysical properties (such as structural, functional, and spatial information, amino acid conservation, physicochemical variation, residue mobility, and thermodynamic stability) indicates that this missense variant is not expected to disrupt TBCK protein function with a negative predictive value of 80%. In summary, the available evidence is currently insufficient to determine the role of this variant in disease. Therefore, it has been classified as a Variant of Uncertain Significance.

Blueprint Genetics
Classification: Uncertain significance. Last evaluated: 2023-11-07. Review status: criteria provided, single submitter. Criteria: ACMG Guidelines, 2015. Collection method: clinical testing. Allele origin: germline.

NM_001163435.3(TBCK):c.128A>G (p.Gln43Arg)

Gene: TBCK (TBC1 domain containing kinase; minus strand). Cytogenetic location: 4q24.
Variant type: single nucleotide variant.
Coding change: c.128A>G on transcript NM_001163435.3 (MANE Select); coding-DNA position 128, A replaced by G.
Protein change: p.Gln43Arg; replaces glutamine 43 with arginine.
Molecular consequence: missense variant. On other transcripts: 5 prime UTR variant (1).
Genome position (GRCh38, 1-based): chr4:106,308,833, T>C on the plus strand (A>G on the coding strand, the complement: TBCK is on the minus strand). VCF-style: chr4-106308833-T-C. GRCh37 (hg19) VCF-style: chr4-107229990-T-C.
Other names: c.128A>G, p.Gln43Arg (NM_001163436.4, NM_001163437.3, NM_033115.5); c.-490A>G (NM_001290768.2); short protein forms Q43R.
Identifiers: ClinVar variation 1503899 (VCV001503899.9), dbSNP rs781374842, ClinGen allele CA3035536.